The following is an entry in ClinVar:

NM_016169.4(SUFU):c.317+241G>A

Gene: SUFU (SUFU negative regulator of hedgehog signaling; plus strand). Cytogenetic location: 10q24.32.
Variant type: single nucleotide variant.
Coding change: c.317+241G>A on transcript NM_016169.4 (MANE Select); 241 bases into the intron after coding-DNA position 317, G replaced by A.
Molecular consequence: intron variant.
Genome position (GRCh38, 1-based): chr10:102,509,544, G>A. VCF-style: chr10-102509544-G-A. GRCh37 (hg19) VCF-style: chr10-104269301-G-A.
Other names: c.317+241G>A (NM_001178133.2).
Identifiers: ClinVar variation 677131 (VCV000677131.1), dbSNP rs10883728, ClinGen allele CA13338357.

ClinVar aggregate classification (germline): Benign (1 of 4 stars; one submission).

Allele frequency attached by ClinVar (database versions not stated): 1000 Genomes Project 0.31709; 1000 Genomes Project 30x 0.32199; gnomAD 0.35132 and 0.35528; TOPMed 0.35416.
gnomAD v4.1: 53,356 of 151,986 alleles (35%); highest among the groups gnomAD compares: African/African-American, 39%; 9,525 homozygotes.

Submission:

GeneDx
Classification: Benign. Last evaluated: 2018-06-18. Review status: criteria provided, single submitter. Criteria: GeneDx Variant Classification (06012015). Collection method: clinical testing. Allele origin: germline. Affected: yes.
Comment: This variant is considered likely benign or benign based on one or more of the following criteria: it is a conservative change, it occurs at a poorly conserved position in the protein, it is predicted to be benign by multiple in silico algorithms, and/or has population frequency not consistent with disease.